The following is an entry in ClinVar:

ClinVar aggregate classification (germline): Uncertain significance. Review status: criteria provided, multiple submitters, no conflicts (2 of 4 stars). 2 submissions from 2 submitters: Uncertain significance (2). Last evaluated 2024-02-16.

Allele frequency attached by ClinVar (database versions not stated): ExAC 0.00001; gnomAD 0.00001; gnomAD exomes 0.00001; TOPMed 0.00001.
gnomAD v4.1: 5 of 1,614,070 alleles (0.00031%); highest among the groups gnomAD compares: Admixed American, 0.0067%; no homozygotes.

Submissions (2):

Labcorp Genetics (formerly Invitae), Labcorp
Classification: Uncertain significance. Last evaluated: 2024-02-16. Review status: criteria provided, single submitter. Criteria: Invitae Variant Classification Sherloc (09022015). Collection method: clinical testing. Allele origin: germline.
Comment: This sequence change replaces cysteine, which is neutral and slightly polar, with serine, which is neutral and polar, at codon 175 of the MARS2 protein (p.Cys175Ser). This variant is present in population databases (rs777557546, gnomAD 0.009%). This variant has not been reported in the literature in individuals affected with MARS2-related conditions. ClinVar contains an entry for this variant (Variation ID: 2210644). Advanced modeling of protein sequence and biophysical properties (such as structural, functional, and spatial information, amino acid conservation, physicochemical variation, residue mobility, and thermodynamic stability) performed at Invitae indicates that this missense variant is not expected to disrupt MARS2 protein function with a negative predictive value of 80%. In summary, the available evidence is currently insufficient to determine the role of this variant in disease. Therefore, it has been classified as a Variant of Uncertain Significance.

Ambry Genetics
Classification: Uncertain significance. Last evaluated: 2021-06-18. Review status: criteria provided, single submitter. Criteria: Ambry Variant Classification Scheme 2023. Collection method: clinical testing. Allele origin: germline.

NM_138395.4(MARS2):c.523T>A (p.Cys175Ser)

Gene: MARS2 (methionyl-tRNA synthetase 2, mitochondrial; plus strand). Cytogenetic location: 2q33.1.
Variant type: single nucleotide variant.
Coding change: c.523T>A on transcript NM_138395.4 (MANE Select); coding-DNA position 523, T replaced by A.
Protein change: p.Cys175Ser; replaces cysteine 175 with serine.
Molecular consequence: missense variant.
Genome position (GRCh38, 1-based): chr2:197,705,928, T>A. VCF-style: chr2-197705928-T-A. GRCh37 (hg19) VCF-style: chr2-198570652-T-A.
Other names: short protein forms C175S.
Identifiers: ClinVar variation 2210644 (VCV002210644.5), dbSNP rs777557546, ClinGen allele CA2044595.